The following is an entry in ClinVar:

NM_004168.4(SDHA):c.565T>G (p.Cys189Gly)

Gene: SDHA (succinate dehydrogenase complex flavoprotein subunit A; plus strand). Cytogenetic location: 5p15.33.
Variant type: single nucleotide variant.
Coding change: c.565T>G on transcript NM_004168.4 (MANE Select); coding-DNA position 565, T replaced by G.
Protein change: p.Cys189Gly; replaces cysteine 189 with glycine.
Molecular consequence: missense variant.
Genome position (GRCh38, 1-based): chr5:225,991, T>G. VCF-style: chr5-225991-T-G. GRCh37 (hg19) VCF-style: chr5-226106-T-G.
Other names: c.421T>G, p.Cys141Gly (NM_001294332.2); c.565T>G, p.Cys189Gly (NM_001330758.2); short protein forms C141G, C189G.
Identifiers: ClinVar variation 4864209 (VCV004864209.1).

ClinVar aggregate classification (germline): Uncertain significance (1 of 4 stars; one submission).

Conditions:
Hereditary cancer-predisposing syndrome. Also called: Neoplastic Syndromes, Hereditary; Tumor predisposition; Hereditary Cancer Syndrome; Hereditary neoplastic syndrome. Identifiers: Orphanet 140162, MedGen C0027672, MeSH D009386, MONDO:0015356.

gnomAD v4.1: 1 of 1,614,178 alleles (0.000062%); highest among the groups gnomAD compares: Non-Finnish European, 0.000085%; no homozygotes.

Submission:

Ambry Genetics
Classification: Uncertain significance for Hereditary cancer-predisposing syndrome. Last evaluated: 2026-05-22. Review status: criteria provided, single submitter. Criteria: Ambry Variant Classification Scheme 2023. Collection method: clinical testing. Allele origin: germline.
Comment: The p.C189G variant (also known as c.565T>G), located in coding exon 5 of the SDHA gene, results from a T to G substitution at nucleotide position 565. The cysteine at codon 189 is replaced by glycine, an amino acid with highly dissimilar properties. This variant has been identified in the homozygous state and/or in conjunction with other SDHA variant(s) in individual(s) who met clinical criteria for Complex II deficiency and cultured fibroblasts from this individual showed reduced Complex II activity (Renkema GH et al. Eur J Hum Genet, 2015 Feb;23:202-9). This amino acid position is highly conserved in available vertebrate species. In addition, this alteration is predicted to be deleterious by in silico analysis. Based on the available evidence, the clinical significance of this variant remains unclear.

Literature cited by the submitters: PubMed 24781757.